The following is an entry in ClinVar:

ClinVar aggregate classification (germline): Uncertain significance (1 of 4 stars; one submission).

Allele frequency attached by ClinVar (database versions not stated): gnomAD exomes below 0.00001; ExAC 0.00001.

Submission:

Labcorp Genetics (formerly Invitae), Labcorp
Classification: Uncertain significance. Last evaluated: 2021-09-26. Review status: criteria provided, single submitter. Criteria: Invitae Variant Classification Sherloc (09022015). Collection method: clinical testing. Allele origin: germline.
Comment: This sequence change replaces alanine with proline at codon 522 of the PLAA protein (p.Ala522Pro). The alanine residue is moderately conserved and there is a small physicochemical difference between alanine and proline. This variant is present in population databases (rs772530492, ExAC 0.002%). This variant has not been reported in the literature in individuals affected with PLAA-related conditions. Algorithms developed to predict the effect of missense changes on protein structure and function (SIFT, PolyPhen-2, Align-GVGD) all suggest that this variant is likely to be tolerated. In summary, the available evidence is currently insufficient to determine the role of this variant in disease. Therefore, it has been classified as a Variant of Uncertain Significance.

NM_001031689.3(PLAA):c.1564G>C (p.Ala522Pro)

Gene: PLAA (phospholipase A2 activating protein; minus strand). Cytogenetic location: 9p21.2.
Variant type: single nucleotide variant.
Coding change: c.1564G>C on transcript NM_001031689.3 (MANE Select); coding-DNA position 1564, G replaced by C.
Protein change: p.Ala522Pro; replaces alanine 522 with proline.
Molecular consequence: missense variant.
Genome position (GRCh38, 1-based): chr9:26,910,431, C>G on the plus strand (G>C on the coding strand, the complement: PLAA is on the minus strand). VCF-style: chr9-26910431-C-G. GRCh37 (hg19) VCF-style: chr9-26910429-C-G.
Other names: c.1495G>C, p.Ala499Pro (NM_001321546.2); short protein forms A499P, A522P.
Identifiers: ClinVar variation 1383302 (VCV001383302.6), dbSNP rs772530492, ClinGen allele CA5014285.